The following is an entry in ClinVar:

NM_006660.5(CLPX):c.29G>C (p.Gly10Ala)

Gene: CLPX (caseinolytic mitochondrial matrix peptidase chaperone subunit X; minus strand). Cytogenetic location: 15q22.31.
Variant type: single nucleotide variant.
Coding change: c.29G>C on transcript NM_006660.5 (MANE Select); coding-DNA position 29, G replaced by C.
Protein change: p.Gly10Ala; replaces glycine 10 with alanine.
Molecular consequence: missense variant. On other transcripts: non-coding transcript variant (1).
Genome position (GRCh38, 1-based): chr15:65,185,125, C>G on the plus strand (G>C on the coding strand, the complement: CLPX is on the minus strand). VCF-style: chr15-65185125-C-G. GRCh37 (hg19) VCF-style: chr15-65477463-C-G.
Other names: short protein forms G10A.
Identifiers: ClinVar variation 2749748 (VCV002749748.3), dbSNP rs1302877343, ClinGen allele CA392848168.

ClinVar aggregate classification (germline): Uncertain significance (1 of 4 stars; one submission).

Submission:

Labcorp Genetics (formerly Invitae), Labcorp
Classification: Uncertain significance. Last evaluated: 2023-08-03. Review status: criteria provided, single submitter. Criteria: Invitae Variant Classification Sherloc (09022015). Collection method: clinical testing. Allele origin: germline.
Comment: This sequence change replaces glycine, which is neutral and non-polar, with alanine, which is neutral and non-polar, at codon 10 of the CLPX protein (p.Gly10Ala). This variant is not present in population databases (gnomAD no frequency). In summary, the available evidence is currently insufficient to determine the role of this variant in disease. Therefore, it has been classified as a Variant of Uncertain Significance. An algorithm developed to predict the effect of missense changes on protein structure and function (PolyPhen-2) suggests that this variant is likely to be tolerated. This variant has not been reported in the literature in individuals affected with CLPX-related conditions.